The following is an entry in ClinVar:

NM_015001.3(SPEN):c.1342dup (p.Thr448fs)

Gene: SPEN (spen family transcriptional repressor; plus strand). Cytogenetic location: 1p36.13.
Variant type: Duplication.
Coding change: c.1342dup on transcript NM_015001.3 (MANE Select); coding-DNA position 1342, one base duplicated (A; older notation c.1342dupA).
Protein change: p.Thr448fs; shifts the reading frame from threonine 448.
Molecular consequence: frameshift variant.
Genome position (GRCh38, 1-based): chr1:15,916,226, A duplicated; the last of 6 consecutive A bases (chr1:15,916,221-15,916,226); duplicating any one gives the same sequence. VCF-style (leftmost placement, unchanged base first): chr1-15916220-G-GA. GRCh37 (hg19) VCF-style: chr1-16242715-G-GA.
Other names: short protein forms T448fs.
Identifiers: ClinVar variation 4532027 (VCV004532027.1).

ClinVar aggregate classification (germline): Pathogenic (1 of 4 stars; one submission).

Conditions:
Radio-Tartaglia syndrome. Identifiers: Orphanet 662234, MedGen C5543339, MONDO:0859143, OMIM 619312.

Submission:

Victorian Clinical Genetics Services, Murdoch Childrens Research Institute
Classification: Pathogenic for Radio-Tartaglia syndrome. Last evaluated: 2024-11-26. Review status: criteria provided, single submitter. Criteria: ACMG Guidelines, 2015. Collection method: clinical testing. Allele origin: germline. Affected: yes.
Comment: This variant is classified as Pathogenic. Evidence in support of pathogenic classification: Variant is predicted to cause nonsense-mediated decay (NMD) and loss of protein (premature termination codon is located at least 54 nucleotides upstream of the final exon-exon junction); Variant is absent from gnomAD (v2, v3 and v4); Other NMD-predicted variants predicted comparable to the one identified in this case have very strong previous evidence for pathogenicity (DECIPHER). Additional information: This variant is heterozygous; This gene is associated with autosomal dominant disease; This variant has no previous evidence of pathogenicity; No published segregation evidence has been identified for this variant; No published functional evidence has been identified for this variant; Loss of function is a known mechanism of disease in this gene and is associated with Radio-Tartaglia syndrome (MIM#619312); Variants in this gene are known to have variable expressivity (OMIM); Inheritance information for this variant is not currently available in this individual.